The following is an entry in ClinVar:

NM_000228.3(LAMB3):c.2963G>A (p.Arg988Gln)

Gene: LAMB3 (laminin subunit beta 3; minus strand). Cytogenetic location: 1q32.2.
Variant type: single nucleotide variant.
Coding change: c.2963G>A on transcript NM_000228.3 (MANE Select); coding-DNA position 2963, G replaced by A.
Protein change: p.Arg988Gln; replaces arginine 988 with glutamine.
Molecular consequence: missense variant.
Genome position (GRCh38, 1-based): chr1:209,617,995, C>T on the plus strand (G>A on the coding strand, the complement: LAMB3 is on the minus strand). VCF-style: chr1-209617995-C-T. GRCh37 (hg19) VCF-style: chr1-209791340-C-T.
Other names: c.2963G>A, p.Arg988Gln (NM_001017402.2, NM_001127641.1); short protein forms R988Q.
Identifiers: ClinVar variation 1034117 (VCV001034117.3), dbSNP rs142912342, ClinGen allele CA1375032.

ClinVar aggregate classification (germline): Uncertain significance. Review status: criteria provided, multiple submitters, no conflicts (2 of 4 stars). 3 submissions from 3 submitters: Uncertain significance (3). Last evaluated 2022-12-21.

Conditions:
Inborn genetic diseases. Identifiers: MedGen C0950123, MeSH D030342.
Amelogenesis imperfecta type 1A. Also called: Amelogenesis imperfecta, hypoplastic type; Amelogenesis imperfecta, type IA; AMELOGENESIS IMPERFECTA, HYPOPLASTIC TYPE IA; Amelogenesis imperfecta local hypoplastic. Identifiers: Orphanet 88661, MedGen C4011403, MONDO:0007094, OMIM 104530.
Junctional epidermolysis bullosa gravis of Herlitz. Also called: Herlitz-type junctional epidermolysis bullosa; EPIDERMOLYSIS BULLOSA JUNCTIONALIS, HERLITZ TYPE; EPIDERMOLYSIS BULLOSA, JUNCTIONAL, HERLITZ-PEARSON TYPE; JEB-HERLITZ TYPE; EPIDERMOLYSIS BULLOSA, JUNCTIONAL 1B, SEVERE; Epidermolysis Bullosa Letalis. Identifiers: Orphanet 79404, MedGen C0079683, MONDO:0009182, OMIM 226700.
Junctional epidermolysis bullosa, non-Herlitz type. Also called: COL17A1-Related Junctional Epidermolysis Bullosa; Epidermolysis bullosa, junctional, non-herlitz type, somatic mosaic revertant; EPIDERMOLYSIS BULLOSA JUNCTIONALIS, DISENTIS TYPE; EPIDERMOLYSIS BULLOSA JUNCTIONALIS, NON-HERLITZ TYPE; EPIDERMOLYSIS BULLOSA JUNCTIONALIS, PROGRESSIVE; EPIDERMOLYSIS BULLOSA JUNCTIONALIS, SEVERE NONLETHAL. Identifiers: Orphanet 251393, Orphanet 79402, Orphanet 79405, Orphanet 89840, MedGen C0268374, MONDO:0009180, OMIM 226650.

Allele frequency attached by ClinVar (database versions not stated): gnomAD exomes 0.00008 and 0.00014; ExAC 0.00010; gnomAD 0.00015; TOPMed 0.00018; ESP Exome Variant Server 0.00038.
gnomAD v4.1: 232 of 1,614,168 alleles (0.014%); highest among the groups gnomAD compares: African/African-American, 0.02%; no homozygotes.

Submissions (3):

Ambry Genetics
Classification: Uncertain significance for Inborn genetic diseases. Last evaluated: 2022-12-21. Review status: criteria provided, single submitter. Criteria: Ambry Variant Classification Scheme 2023. Collection method: clinical testing. Allele origin: germline.

Fulgent Genetics
Classification: Uncertain significance for Amelogenesis imperfecta type 1A; Junctional epidermolysis bullosa, non-Herlitz type; Junctional epidermolysis bullosa gravis of Herlitz. Last evaluated: 2021-12-30. Review status: criteria provided, single submitter. Criteria: ACMG Guidelines, 2015. Collection method: clinical testing. Allele origin: unknown.

Baylor Genetics
Classification: Uncertain significance for Amelogenesis imperfecta type 1A. Last evaluated: 2018-10-05. Review status: criteria provided, single submitter. Criteria: ACMG Guidelines, 2015. Collection method: clinical testing. Allele origin: maternal. Affected: yes.
Comment: This variant was determined to be of uncertain significance according to ACMG Guidelines, 2015 [PMID:25741868].